The following is an entry in ClinVar:

ClinVar aggregate classification (germline): Pathogenic (1 of 4 stars; one submission).

Conditions:
Predisposition to invasive fungal disease due to CARD9 deficiency (IMD103). Also called: CARD9 IMMUNODEFICIENCY; Candidiasis, familial, 2, autosomal recessive; IMMUNODEFICIENCY 103, SUSCEPTIBILITY TO FUNGAL INFECTIONS. Identifiers: Orphanet 457088, MedGen C1859353, MONDO:0008905, OMIM 212050.

Submission:

Labcorp Genetics (formerly Invitae), Labcorp
Classification: Pathogenic for Predisposition to invasive fungal disease due to CARD9 deficiency. Last evaluated: 2018-04-18. Review status: criteria provided, single submitter. Criteria: Invitae Variant Classification Sherloc (09022015). Collection method: clinical testing. Allele origin: germline.
Comment: For these reasons, this variant has been classified as Pathogenic. Loss-of-function variants in CARD9 are known to be pathogenic (PMID: 19864672, 24131138, 24231284). This variant has not been reported in the literature in individuals with CARD9-related disease. This variant is not present in population databases (ExAC no frequency). This sequence change creates a premature translational stop signal (p.Ser431Leufs*49) in the CARD9 gene. It is expected to result in an absent or disrupted protein product.

Literature cited by the submitters: PubMed 19864672; PubMed 24131138; PubMed 24231284.

NM_052813.5(CARD9):c.1289dup (p.Ser431fs)

Gene: CARD9 (caspase recruitment domain family member 9; minus strand). Cytogenetic location: 9q34.3.
Variant type: Duplication.
Coding change: c.1289dup on transcript NM_052813.5 (MANE Select); coding-DNA position 1289, one base duplicated (G; older notation c.1289dupG).
Protein change: p.Ser431fs; shifts the reading frame from serine 431.
Molecular consequence: frameshift variant.
Genome position (GRCh38, 1-based): chr9:136,367,238, C duplicated on the plus strand (G on the coding strand, the reverse complement: CARD9 is on the minus strand); the first of 2 consecutive C bases (chr9:136,367,238-136,367,239); duplicating either gives the same sequence. VCF-style (leftmost placement, unchanged base first): chr9-136367237-G-GC. GRCh37 (hg19) VCF-style: chr9-139261689-G-GC.
Other names: c.1289dup, p.Ser431fs (NM_052814.4); c.1289dupG (NM_052813.4); short protein forms S431fs.
Identifiers: ClinVar variation 567137 (VCV000567137.7), dbSNP rs1564367364, ClinGen allele CA891843101.